The following is an entry in ClinVar:

NC_000009.11:g.(?_135771622)_(135810482_?)del

Gene: TSC1 (TSC complex subunit 1; minus strand). Cytogenetic location: 9q34.13.
Variant type: Deletion.
Identifiers: ClinVar variation 3245187 (VCV003245187.1).

ClinVar aggregate classification (germline): Pathogenic (1 of 4 stars; one submission).

Conditions:
Tuberous sclerosis 1 (TSC1). Identifiers: Orphanet 805, MedGen C1854465, MONDO:0008612, OMIM 191100.

Submission:

Labcorp Genetics (formerly Invitae), Labcorp
Classification: Pathogenic for Tuberous sclerosis 1. Last evaluated: 2023-11-03. Review status: criteria provided, single submitter. Criteria: Invitae Variant Classification Sherloc (09022015). Collection method: clinical testing. Allele origin: unknown.
Comment: A gross deletion of the genomic region encompassing the full coding sequence of the TSC1 gene has been identified. Loss-of-function variants in TSC1 are known to be pathogenic (PMID: 10227394, 17304050). The boundaries of this event are unknown as they extend beyond the assayed region for this gene and therefore may encompass additional genes. A similar copy number variant has been observed in individual(s) with tuberous sclerosis complex (PMID: 20877415). For these reasons, this variant has been classified as Pathogenic.

Literature cited by the submitters: PubMed 10227394; PubMed 17304050; PubMed 20877415.